The following is an entry in ClinVar:

ClinVar aggregate classification (germline): Pathogenic (1 of 4 stars; one submission).

Conditions:
Joubert syndrome. Also called: CEREBELLOPARENCHYMAL DISORDER IV; JOUBERT-BOLTSHAUSER SYNDROME; Familial aplasia of the vermis. Identifiers: Orphanet 475, MedGen C5979921, MONDO:0018772.

Submission:

Labcorp Genetics (formerly Invitae), Labcorp
Classification: Pathogenic for Joubert syndrome. Last evaluated: 2023-03-14. Review status: criteria provided, single submitter. Criteria: Invitae Variant Classification Sherloc (09022015). Collection method: clinical testing. Allele origin: germline.
Comment: For these reasons, this variant has been classified as Pathogenic. This variant has not been reported in the literature in individuals affected with TMEM216-related conditions. This variant is not present in population databases (gnomAD no frequency). This sequence change creates a premature translational stop signal (p.Lys79Argfs*17) in the TMEM216 gene. It is expected to result in an absent or disrupted protein product. Loss-of-function variants in TMEM216 are known to be pathogenic (PMID: 20512146).

Literature cited by the submitters: PubMed 20512146.

NM_001173990.3(TMEM216):c.236del (p.Lys79fs)

Gene: TMEM216 (transmembrane protein 216; plus strand). Cytogenetic location: 11q12.2.
Variant type: Deletion.
Coding change: c.236del on transcript NM_001173990.3 (MANE Select); coding-DNA position 236, one base deleted (A; older notation c.236delA).
Protein change: p.Lys79fs; shifts the reading frame from lysine 79.
Molecular consequence: frameshift variant.
Genome position (GRCh38, 1-based): chr11:61,397,780, A deleted; the last of 3 consecutive A bases (chr11:61,397,778-61,397,780); deleting any one gives the same sequence. VCF-style (leftmost placement, unchanged base first): chr11-61397777-CA-C. GRCh37 (hg19) VCF-style: chr11-61165249-CA-C.
Other names: c.236del, p.Lys79fs (NM_001173991.3); c.53del, p.Lys18fs (NM_001330285.2, NM_016499.6); short protein forms K18fs, K79fs.
Identifiers: ClinVar variation 2842470 (VCV002842470.3), dbSNP rs2539896387, ClinGen allele CA2739270464.
Genomic context (GRCh38, chr11:61,397,777, plus strand): 5'-CCCTGGGCCAGGAAAAGCAGACCATTTGGAGATGACTCCATGGGCTGTGTCTGACAGGTA[CA>C]AAGGGAAACCTCTGCCAGCGAAAGATGCCGCTCAGTATTAGCGTGGCCTTGACCTTCCCA-3'